The following is an entry in ClinVar:

NM_015679.3(TRUB2):c.903G>A (p.Gly301=)

Gene: TRUB2 (TruB pseudouridine synthase family member 2; minus strand). Cytogenetic location: 9q34.11.
Variant type: single nucleotide variant.
Coding change: c.903G>A on transcript NM_015679.3 (MANE Select); coding-DNA position 903, G replaced by A.
Protein change: p.Gly301=; no amino-acid change (glycine 301 retained).
Molecular consequence: synonymous variant.
Genome position (GRCh38, 1-based): chr9:128,309,643, C>T on the plus strand (G>A on the coding strand, the complement: TRUB2 is on the minus strand). VCF-style: chr9-128309643-C-T. GRCh37 (hg19) VCF-style: chr9-131071922-C-T.
Other names: c.771G>A, p.Gly257= (NM_001329861.2); c.735G>A, p.Gly245= (NM_001329862.2); c.591G>A, p.Gly197= (NM_001329863.2).
Identifiers: ClinVar variation 776767 (VCV000776767.28), dbSNP rs2231642, ClinGen allele CA5259973.

ClinVar aggregate classification (germline): Benign/Likely benign. Review status: criteria provided, multiple submitters, no conflicts (2 of 4 stars). 3 submissions from 3 submitters: Benign (2); Likely benign (1). Last evaluated 2022-09-01.

Allele frequency attached by ClinVar (database versions not stated): 1000 Genomes Project 30x 0.00109; 1000 Genomes Project 0.00120; ExAC 0.00383; gnomAD exomes 0.00405 and 0.00642; gnomAD 0.00441 and 0.00449; TOPMed 0.00466; ESP Exome Variant Server 0.00538.

Submissions (3):

CeGaT Center for Human Genetics Tuebingen
Classification: Likely benign. Last evaluated: 2022-09-01. Review status: criteria provided, single submitter. Criteria: CeGaT Center For Human Genetics Tuebingen Variant Classification Criteria Version 2. Collection method: clinical testing. Allele origin: germline. Affected: yes. Observed: 1 variant allele.
Comment: TRUB2: BP4, BP7

Labcorp Genetics (formerly Invitae), Labcorp
Classification: Benign. Last evaluated: 2017-12-12. Review status: criteria provided, single submitter. Criteria: Invitae Variant Classification Sherloc (09022015). Collection method: clinical testing. Allele origin: germline.

Breakthrough Genomics
Classification: Benign. Review status: criteria provided, single submitter. Criteria: ACMG Guidelines, 2015. Collection method: not provided. Allele origin: germline. Inheritance: Unknown mechanism. Affected: yes.